The following is an entry in ClinVar:

NM_002156.5(HSPD1):c.1618A>T (p.Thr540Ser)

Gene: HSPD1 (heat shock protein family D (Hsp60) member 1; minus strand). Cytogenetic location: 2q33.1.
Variant type: single nucleotide variant.
Coding change: c.1618A>T on transcript NM_002156.5 (MANE Select); coding-DNA position 1618, A replaced by T.
Protein change: p.Thr540Ser; replaces threonine 540 with serine.
Molecular consequence: missense variant.
Genome position (GRCh38, 1-based): chr2:197,487,150, T>A on the plus strand (A>T on the coding strand, the complement: HSPD1 is on the minus strand). VCF-style: chr2-197487150-T-A. GRCh37 (hg19) VCF-style: chr2-198351874-T-A.
Other names: c.1618A>T, p.Thr540Ser (NM_199440.2); short protein forms T540S.
Identifiers: ClinVar variation 4808232 (VCV004808232.1).

ClinVar aggregate classification (germline): Uncertain significance (1 of 4 stars; one submission).

Conditions:
Spastic paraplegia. Identifiers: MedGen C0037772, HP:0001258.

gnomAD v4.1: 6 of 1,610,754 alleles (0.00037%); highest among the groups gnomAD compares: East Asian, 0.0067%; no homozygotes.

Submission:

Labcorp Genetics (formerly Invitae), Labcorp
Classification: Uncertain significance for Spastic paraplegia. Last evaluated: 2025-06-24. Review status: criteria provided, single submitter. Criteria: Invitae Variant Classification Sherloc (09022015). Collection method: clinical testing. Allele origin: germline.
Comment: This sequence change replaces threonine, which is neutral and polar, with serine, which is neutral and polar, at codon 540 of the HSPD1 protein (p.Thr540Ser). This variant is not present in population databases (gnomAD no frequency). This variant has not been reported in the literature in individuals affected with HSPD1-related conditions. Invitae Evidence Modeling of protein sequence and biophysical properties (such as structural, functional, and spatial information, amino acid conservation, physicochemical variation, residue mobility, and thermodynamic stability) indicates that this missense variant is not expected to disrupt HSPD1 protein function with a negative predictive value of 80%. In summary, the available evidence is currently insufficient to determine the role of this variant in disease. Therefore, it has been classified as a Variant of Uncertain Significance.